The following is an entry in ClinVar:

ClinVar aggregate classification (germline): Conflicting classifications of pathogenicity. Review status: criteria provided, conflicting classifications (1 of 4 stars). 2 submissions from 2 submitters: Likely pathogenic (1); Uncertain significance (1). Last evaluated 2024-02-24.

Conditions:
Hereditary cancer-predisposing syndrome. Also called: Neoplastic Syndromes, Hereditary; Tumor predisposition; Hereditary neoplastic syndrome; Hereditary Cancer Syndrome. Identifiers: Orphanet 140162, MedGen C0027672, MeSH D009386, MONDO:0015356.

Allele frequency attached by ClinVar (database versions not stated): TOPMed below 0.00001; ExAC 0.00001; gnomAD 0.00001; gnomAD exomes 0.00001 and 0.00002.
gnomAD v4.1: 7 of 1,613,280 alleles (0.00043%); highest among the groups gnomAD compares: Admixed American, 0.0083%; no homozygotes.

Submissions (2):

Labcorp Genetics (formerly Invitae), Labcorp
Classification: Uncertain significance. Last evaluated: 2024-02-24. Review status: criteria provided, single submitter. Criteria: Invitae Variant Classification Sherloc (09022015). Collection method: clinical testing. Allele origin: germline.
Comment: This sequence change affects a donor splice site in intron 1 of the XRCC2 gene. It is expected to disrupt RNA splicing. Variants that disrupt the donor or acceptor splice site typically lead to a loss of protein function (PMID: 16199547), however the current clinical and genetic evidence is not sufficient to establish whether loss-of-function variants in XRCC2 cause disease. This variant is present in population databases (rs758499439, gnomAD 0.01%). This variant has not been reported in the literature in individuals affected with XRCC2-related conditions. ClinVar contains an entry for this variant (Variation ID: 824360). Algorithms developed to predict the effect of sequence changes on RNA splicing suggest that this variant may disrupt the consensus splice site. In summary, the available evidence is currently insufficient to determine the role of this variant in disease. Therefore, it has been classified as a Variant of Uncertain Significance.

Ambry Genetics
Classification: Likely pathogenic for Hereditary cancer-predisposing syndrome. Last evaluated: 2018-06-28. Review status: criteria provided, single submitter. Criteria: Ambry Variant Classification Scheme 2023. Collection method: clinical testing. Allele origin: germline.
Comment: The c.39+2T>A intronic variant results from a T to A substitution two nucleotides after coding exon 1 in the XRCC2 gene. This nucleotide position is highly conserved in available vertebrate species. Using the BDGP and ESEfinder splice site prediction tools, this alteration is predicted to abolish the native splice donor site; however, direct evidence is unavailable. Alterations that disrupt the canonical splice site are expected to cause aberrant splicing, resulting in an abnormal protein or a transcript that is subject to nonsense-mediated mRNA decay. As such, this alteration is classified as likely pathogenic.

Literature cited by the submitters: PubMed 16199547 (cited by Labcorp Genetics (formerly Invitae), Labcorp).

NM_005431.2(XRCC2):c.39+2T>A

Gene: XRCC2 (X-ray repair cross complementing 2; minus strand). Cytogenetic location: 7q36.1.
Variant type: single nucleotide variant.
Coding change: c.39+2T>A on transcript NM_005431.2 (MANE Select); the canonical splice donor site of the intron after coding-DNA position 39, T replaced by A.
Molecular consequence: splice donor variant.
Genome position (GRCh38, 1-based): chr7:152,676,039, A>T on the plus strand (T>A on the coding strand, the complement: XRCC2 is on the minus strand). VCF-style: chr7-152676039-A-T. GRCh37 (hg19) VCF-style: chr7-152373124-A-T.
Identifiers: ClinVar variation 824360 (VCV000824360.11), dbSNP rs758499439, ClinGen allele CA4582441.
Genomic context (GRCh38, chr7:152,676,039, plus strand): 5'-CTCCCCTCGCCCACCGGCGGCCTTGTTCCCATCTCCCTCACTCCCAACCCGGCGGCTCTC[A>T]CCTCGGTCCCAGACTCAGCCCTATGGAAGGCACTACACATCGCCCCGAAGGCTCGGCGCA-3'